The following is an entry in ClinVar:

NM_001614.5(ACTG1):c.498C>T (p.Tyr166=)

Gene: ACTG1 (actin gamma 1; minus strand). Cytogenetic location: 17q25.3.
Variant type: single nucleotide variant.
Coding change: c.498C>T on transcript NM_001614.5 (MANE Select); coding-DNA position 498, C replaced by T.
Protein change: p.Tyr166=; no amino-acid change (tyrosine 166 retained).
Molecular consequence: synonymous variant. On other transcripts: non-coding transcript variant (1).
Genome position (GRCh38, 1-based): chr17:81,511,492, G>A on the plus strand (C>T on the coding strand, the complement: ACTG1 is on the minus strand). VCF-style: chr17-81511492-G-A. GRCh37 (hg19) VCF-style: chr17-79478518-G-A.
Other names: c.498C>T, p.Tyr166= (NM_001199954.3).
Identifiers: ClinVar variation 162717 (VCV000162717.11), dbSNP rs373572370, ClinGen allele CA175208.
Genomic context (GRCh38, chr17:81,511,492, plus strand): 5'-GGTCAGGTCCCGGCCAGCCAGGTCCAGACGCAGGATGGCGTGGGGGAGGGCGTAGCCCTC[G>A]TAGATGGGCACCGTGTGGGTGACCCCGTCTCCAGAGTCCATGACAATGCCAGTGGTGCGC-3'
Protein context (NP_001605.1, residues 156-176): GDGVTHTVPI[Tyr166=]EGYALPHAIL

ClinVar aggregate classification (germline): Likely benign. Review status: criteria provided, multiple submitters, no conflicts (2 of 4 stars). 4 submissions from 4 submitters: Likely benign (4). Last evaluated 2025-10-26.

Conditions:
Baraitser-winter syndrome 2. Identifiers: Orphanet 2995, MedGen C3281235, MONDO:0013812, OMIM 614583.
Autosomal dominant nonsyndromic hearing loss 20. Identifiers: Orphanet 90635, MedGen C1858172, MONDO:0011480, OMIM 604717.

Allele frequency attached by ClinVar (database versions not stated): ExAC 0.00003; gnomAD 0.00003 and 0.00004; gnomAD exomes 0.00004; TOPMed 0.00008; 1000 Genomes Project 30x 0.00016.

Submissions (4):

Labcorp Genetics (formerly Invitae), Labcorp
Classification: Likely benign for Baraitser-winter syndrome 2; Autosomal dominant nonsyndromic hearing loss 20. Last evaluated: 2025-10-26. Review status: criteria provided, single submitter. Criteria: Invitae Variant Classification Sherloc (09022015). Collection method: clinical testing. Allele origin: germline.

Blueprint Genetics
Classification: Likely benign. Last evaluated: 2023-05-10. Review status: criteria provided, single submitter. Criteria: ACMG Guidelines, 2015. Collection method: clinical testing. Allele origin: germline.

GeneDx
Classification: Likely benign. Last evaluated: 2020-07-30. Review status: criteria provided, single submitter. Criteria: GeneDx Variant Classification Process June 2021. Collection method: clinical testing. Allele origin: germline. Affected: yes.

Laboratory for Molecular Medicine, Mass General Brigham Personalized Medicine
Classification: Likely benign. Last evaluated: 2013-06-02. Review status: criteria provided, single submitter. Criteria: LMM Criteria. Collection method: clinical testing. Allele origin: germline. Observed: 1 variant allele.
Comment: Tyr166Tyr in exon 4 of ACTG1: This variant is not expected to have clinical sign ificance because it does not alter an amino acid residue, and is not located nea r the splice site.